The following is an entry in ClinVar:

ClinVar aggregate classification (germline): Uncertain significance (1 of 4 stars; one submission).

Allele frequency attached by ClinVar (database versions not stated): gnomAD exomes below 0.00001.
gnomAD v4.1: 1 of 1,614,172 alleles (0.000062%); no homozygotes.

Submission:

GeneDx
Classification: Uncertain significance. Last evaluated: 2022-07-30. Review status: criteria provided, single submitter. Criteria: GeneDx Variant Classification Process June 2021. Collection method: clinical testing. Allele origin: germline. Affected: yes.
Comment: Not observed at significant frequency in large population cohorts (gnomAD); Nonsense variant predicted to result in protein truncation or nonsense mediated decay in a gene or region of a gene for which loss of function is not a well-established mechanism of disease; Has not been previously published as pathogenic or benign to our knowledge

NM_001042603.3(KDM5A):c.3768G>A (p.Trp1256Ter)

Genes: KDM5A (lysine demethylase 5A; minus strand), LOC126861410 (BRD4-independent group 4 enhancer GRCh37_chr12:415875-417074; plus strand). Cytogenetic location: 12p13.33.
Variant type: single nucleotide variant.
Coding change: c.3768G>A on transcript NM_001042603.3 (MANE Select); coding-DNA position 3768, G replaced by A.
Protein change: p.Trp1256Ter; replaces tryptophan 1256 with a stop codon.
Molecular consequence: nonsense.
Genome position (GRCh38, 1-based): chr12:307,616, C>T on the plus strand (G>A on the coding strand, the complement: KDM5A is on the minus strand). VCF-style: chr12-307616-C-T. GRCh37 (hg19) VCF-style: chr12-416782-C-T.
Other names: short protein forms W1256*.
Identifiers: ClinVar variation 2413044 (VCV002413044.4), dbSNP rs1943525462, ClinGen allele CA383630697.